The following is an entry in ClinVar:

NM_000218.3(KCNQ1):c.1514+31090T>C

Genes: KCNQ1 (potassium voltage-gated channel subfamily Q member 1; plus strand), KCNQ1OT1 (KCNQ1 opposite strand/antisense transcript 1; minus strand). Cytogenetic location: 11p15.5.
Variant type: single nucleotide variant.
Coding change: c.1514+31090T>C on transcript NM_000218.3 (MANE Select); 31090 bases into the intron after coding-DNA position 1514, T replaced by C.
Molecular consequence: intron variant.
Genome position (GRCh38, 1-based): chr11:2,693,171, T>C. VCF-style: chr11-2693171-T-C. GRCh37 (hg19) VCF-style: chr11-2714401-T-C.
Other names: c.1244+31090T>C (NM_001406837.1); c.1418+31090T>C (NM_001406836.1); c.974+31090T>C (NM_001406838.1); c.1133+31090T>C (NM_181798.2).
Identifiers: ClinVar variation 1701168 (VCV001701168.31), dbSNP rs78749685, ClinGen allele CA216194053.

ClinVar aggregate classification (germline): Likely benign (1 of 4 stars; one submission).

Allele frequency attached by ClinVar (database versions not stated): 1000 Genomes Project 30x 0.00187; 1000 Genomes Project 0.00200; TOPMed 0.00370; gnomAD 0.00398 and 0.00423; gnomAD exomes 0.00571.
gnomAD v4.1: 2,001 of 398,674 alleles (0.5%); highest among the groups gnomAD compares: Non-Finnish European, 0.62%; 7 homozygotes.

Submission:

CeGaT Center for Human Genetics Tuebingen
Classification: Likely benign. Last evaluated: 2026-09-01. Review status: criteria provided, single submitter. Criteria: CeGaT Center For Human Genetics Tuebingen Variant Classification Criteria Version 2. Collection method: clinical testing. Allele origin: germline. Affected: yes. Observed: 70 variant alleles.
Comment: KCNQ1OT1: BS2